The following is an entry in ClinVar:

ClinVar aggregate classification (germline): Uncertain significance. Review status: criteria provided, multiple submitters, no conflicts (2 of 4 stars). 2 submissions from 2 submitters: Uncertain significance (2). Last evaluated 2023-04-26.

Conditions:
Neurodevelopmental disorder with hypotonia, epilepsy, and absent speech. Identifiers: MedGen C6065942, MONDO:0980940, OMIM 621455.
Neurodevelopmental disorder with speech delay, movement abnormalities, and seizures. Identifiers: MedGen C6065943, MONDO:0980941, OMIM 621456.
Intellectual developmental disorder with seizures and dysmorphic facies. Identifiers: MedGen C6065944, MONDO:0980942, OMIM 621457.

Allele frequency attached by ClinVar (database versions not stated): gnomAD exomes below 0.00001.
gnomAD v4.1: 1 of 1,552,126 alleles (0.000064%); highest among the groups gnomAD compares: Non-Finnish European, 0.000087%; no homozygotes.

Submissions (2):

Ambry Genetics
Classification: Uncertain significance. Last evaluated: 2023-04-26. Review status: criteria provided, single submitter. Criteria: Ambry Variant Classification Scheme 2023. Collection method: clinical testing. Allele origin: germline.

Juno Genomics, Hangzhou Juno Genomics, Inc
Classification: Uncertain significance for Neurodevelopmental disorder with hypotonia, epilepsy, and absent speech; Neurodevelopmental disorder with speech delay, movement abnormalities, and seizures; Intellectual developmental disorder with seizures and dysmorphic facies. Review status: criteria provided, single submitter. Criteria: ACMG Guidelines, 2015. Collection method: clinical testing. Allele origin: germline.
Comment: Absent from controls (or at extremely low frequency if recessive) in Genome Aggregation Database.;Missense variant in a gene that has a low rate of benign missense variation.

NM_001080421.3(UNC13A):c.4945G>C (p.Ala1649Pro)

Gene: UNC13A (unc-13 homolog A; minus strand). Cytogenetic location: 19p13.11.
Variant type: single nucleotide variant.
Coding change: c.4945G>C on transcript NM_001080421.3 (MANE Select); coding-DNA position 4945, G replaced by C.
Protein change: p.Ala1649Pro; replaces alanine 1649 with proline.
Molecular consequence: missense variant.
Genome position (GRCh38, 1-based): chr19:17,606,221, C>G on the plus strand (G>C on the coding strand, the complement: UNC13A is on the minus strand). VCF-style: chr19-17606221-C-G. GRCh37 (hg19) VCF-style: chr19-17717030-C-G.
Other names: c.4933G>C, p.Ala1645Pro (NM_001387021.1); c.4930G>C, p.Ala1644Pro (NM_001387022.1); c.4864G>C, p.Ala1622Pro (NM_001387023.1); short protein forms A1644P, A1645P, A1622P, A1649P.
Identifiers: ClinVar variation 2541297 (VCV002541297.4), dbSNP rs2144899633, ClinGen allele CA404730402.